The following is an entry in ClinVar:

NM_000501.4(ELN):c.1096+4A>G

Gene: ELN (elastin; plus strand). Cytogenetic location: 7q11.23.
Variant type: single nucleotide variant.
Coding change: c.1096+4A>G on transcript NM_000501.4 (MANE Select); 4 bases into the intron after coding-DNA position 1096, A replaced by G.
Molecular consequence: intron variant.
Genome position (GRCh38, 1-based): chr7:74,053,313, A>G. VCF-style: chr7-74053313-A-G. GRCh37 (hg19) VCF-style: chr7-73467643-A-G.
Other names: c.1111+4A>G (NM_001081754.3, NM_001081753.3); c.1096+4A>G (NM_001278939.2, NM_001278915.2, NM_001278912.2 and 1 more transcripts); c.1054+4A>G (NM_001278916.2); c.988+4A>G (NM_001278913.2); c.1081+4A>G (NM_001278914.2); c.1066+4A>G (NM_001278917.2, NM_001081752.3); c.964+4A>G (NM_001278918.2).
Identifiers: ClinVar variation 3369524 (VCV003369524.1).

ClinVar aggregate classification (germline): Uncertain significance (1 of 4 stars; one submission).

Submission:

GeneDx
Classification: Uncertain significance. Last evaluated: 2024-02-20. Review status: criteria provided, single submitter. Criteria: GeneDx Variant Classification Process June 2021. Collection method: clinical testing. Allele origin: germline. Affected: yes.
Comment: Not observed at significant frequency in large population cohorts (gnomAD); In silico analysis supports a deleterious effect on splicing; Has not been previously published as pathogenic or benign to our knowledge